The following is an entry in ClinVar:

ClinVar aggregate classification (germline): Uncertain significance (1 of 4 stars; one submission).

Conditions:
KBG syndrome (KBGS). Also called: ANKRD11-Related KBG Syndrome. Identifiers: Orphanet 2332, MedGen C0220687, MONDO:0007846, OMIM 148050.

Submission:

Labcorp Genetics (formerly Invitae), Labcorp
Classification: Uncertain significance for KBG syndrome. Last evaluated: 2022-05-13. Review status: criteria provided, single submitter. Criteria: Invitae Variant Classification Sherloc (09022015). Collection method: clinical testing. Allele origin: germline.
Comment: This variant results in a copy number gain of the genomic region encompassing exon(s) 2-13 of the ANKRD11 gene. This region includes the initiator codon of the gene. This copy number gain extends beyond the assayed region for this gene and therefore may encompass additional genes. As the precise location of this event is unknown, it may be in tandem or it may be located elsewhere in the genome. This variant has not been reported in the literature in individuals affected with ANKRD11-related conditions. In summary, the available evidence is currently insufficient to determine the role of this variant in disease. Therefore, it has been classified as a Variant of Uncertain Significance.

NC_000016.9:g.(?_88870240)_(89484776_?)dup

Genes: ZNF778 (zinc finger protein 778; plus strand), ACSF3 (acyl-CoA synthetase family member 3; plus strand), ANKRD11 (ankyrin repeat domain 11; minus strand), APRT (adenine phosphoribosyltransferase; minus strand), CBFA2T3 (CBFA2/RUNX1 partner transcriptional co-repressor 3; minus strand) and 6 more. Cytogenetic location: 16q24.3.
Variant type: Duplication.
Identifiers: ClinVar variation 2425844 (VCV002425844.4).